The following is an entry in ClinVar:

ClinVar aggregate classification (germline): Uncertain significance (1 of 4 stars; one submission).

Conditions:
Congenital sideroblastic anemia-B-cell immunodeficiency-periodic fever-developmental delay syndrome. Also called: Sideroblastic anemia with B-cell immunodeficiency, periodic fevers, and developmental delay. Identifiers: Orphanet 369861, MedGen C4015172, MONDO:0014487, OMIM 616084.

Submission:

Labcorp Genetics (formerly Invitae), Labcorp
Classification: Uncertain significance for Congenital sideroblastic anemia-B-cell immunodeficiency-periodic fever-developmental delay syndrome. Last evaluated: 2023-08-04. Review status: criteria provided, single submitter. Criteria: Invitae Variant Classification Sherloc (09022015). Collection method: clinical testing. Allele origin: germline.
Comment: In summary, the available evidence is currently insufficient to determine the role of this variant in disease. Therefore, it has been classified as a Variant of Uncertain Significance. Advanced modeling of protein sequence and biophysical properties (such as structural, functional, and spatial information, amino acid conservation, physicochemical variation, residue mobility, and thermodynamic stability) performed at Invitae indicates that this missense variant is expected to disrupt TRNT1 protein function. This sequence change replaces leucine, which is neutral and non-polar, with serine, which is neutral and polar, at codon 408 of the TRNT1 protein (p.Leu408Ser). This variant is not present in population databases (gnomAD no frequency). This variant has not been reported in the literature in individuals affected with TRNT1-related conditions. ClinVar contains an entry for this variant (Variation ID: 2119545).

NM_182916.3(TRNT1):c.1223T>C (p.Leu408Ser)

Gene: TRNT1 (tRNA nucleotidyl transferase 1; plus strand). Cytogenetic location: 3p26.2.
Variant type: single nucleotide variant.
Coding change: c.1223T>C on transcript NM_182916.3 (MANE Select); coding-DNA position 1223, T replaced by C.
Protein change: p.Leu408Ser; replaces leucine 408 with serine.
Molecular consequence: missense variant. On other transcripts: non-coding transcript variant (8).
Genome position (GRCh38, 1-based): chr3:3,148,072, T>C. VCF-style: chr3-3148072-T-C. GRCh37 (hg19) VCF-style: chr3-3189756-T-C.
Other names: c.1163T>C, p.Leu388Ser (NM_001302946.2); c.1223T>C, p.Leu408Ser (NM_001367321.1, NM_001367322.1, NM_001367323.1); short protein forms L388S, L408S.
Identifiers: ClinVar variation 2119545 (VCV002119545.4), dbSNP rs2471357991, ClinGen allele CA351449067.